The following is an entry in ClinVar:

NM_004974.4(KCNA2):c.601A>T (p.Thr201Ser)

Gene: KCNA2 (potassium voltage-gated channel subfamily A member 2; minus strand). Cytogenetic location: 1p13.3.
Variant type: single nucleotide variant.
Coding change: c.601A>T on transcript NM_004974.4 (MANE Select); coding-DNA position 601, A replaced by T.
Protein change: p.Thr201Ser; replaces threonine 201 with serine.
Molecular consequence: missense variant.
Genome position (GRCh38, 1-based): chr1:110,604,182, T>A on the plus strand (A>T on the coding strand, the complement: KCNA2 is on the minus strand). VCF-style: chr1-110604182-T-A. GRCh37 (hg19) VCF-style: chr1-111146804-T-A.
Other names: c.601A>T, p.Thr201Ser (NM_001204269.2); short protein forms T201S.
Identifiers: ClinVar variation 1363101 (VCV001363101.10), dbSNP rs1016641998, ClinGen allele CA28808972.

ClinVar aggregate classification (germline): Uncertain significance (1 of 4 stars; one submission).

Conditions:
Developmental and epileptic encephalopathy, 32 (DEE32). Also called: Epileptic encephalopathy, early infantile, 32. Identifiers: Orphanet 442835, MedGen C4225350, MONDO:0014607, OMIM 616366.

Allele frequency attached by ClinVar (database versions not stated): gnomAD exomes below 0.00001; gnomAD 0.00001; TOPMed 0.00001.
gnomAD v4.1: 2 of 1,614,026 alleles (0.00012%); highest among the groups gnomAD compares: African/African-American, 0.0027%; no homozygotes.

Submission:

Labcorp Genetics (formerly Invitae), Labcorp
Classification: Uncertain significance for Developmental and epileptic encephalopathy, 32. Last evaluated: 2020-12-21. Review status: criteria provided, single submitter. Criteria: Invitae Variant Classification Sherloc (09022015). Collection method: clinical testing. Allele origin: germline.
Comment: In summary, the available evidence is currently insufficient to determine the role of this variant in disease. Therefore, it has been classified as a Variant of Uncertain Significance. Advanced modeling of protein sequence and biophysical properties (such as structural, functional, and spatial information, amino acid conservation, physicochemical variation, residue mobility, and thermodynamic stability) performed at Invitae indicates that this missense variant is not expected to disrupt KCNA2 protein function. This variant has not been reported in the literature in individuals with KCNA2-related conditions. This variant is not present in population databases (ExAC no frequency). This sequence change replaces threonine with serine at codon 201 of the KCNA2 protein (p.Thr201Ser). The threonine residue is moderately conserved and there is a small physicochemical difference between threonine and serine.